The following is an entry in ClinVar:

ClinVar aggregate classification (germline): Conflicting classifications of pathogenicity. Review status: criteria provided, conflicting classifications (1 of 4 stars). 4 submissions from 4 submitters: Uncertain significance (1); Benign (1); Likely benign (2). Last evaluated 2026-04-15.

Conditions:
DICER1-related tumor predisposition. Also called: DICER1-related pleuropulmonary blastoma cancer predisposition syndrome; DICER1 syndrome. Identifiers: Orphanet 284343, MedGen C3839822, MONDO:0100216.
Hereditary cancer-predisposing syndrome. Also called: Hereditary neoplastic syndrome; Neoplastic Syndromes, Hereditary; Hereditary Cancer Syndrome; Tumor predisposition. Identifiers: Orphanet 140162, MedGen C0027672, MeSH D009386, MONDO:0015356.

Allele frequency attached by ClinVar (database versions not stated): gnomAD exomes below 0.00001.
gnomAD v4.1: 2 of 1,613,900 alleles (0.00012%); highest among the groups gnomAD compares: Admixed American, 0.0033%; no homozygotes.

Submissions (4):

Myriad Genetics, Inc.
Classification: Benign for DICER1-related tumor predisposition. Last evaluated: 2026-04-15. Review status: criteria provided, single submitter. Criteria: Myriad Autosomal Dominant, Autosomal Recessive and X-Linked Classification Criteria (2023). Collection method: clinical testing. Allele origin: unknown.
Comment: This variant is considered benign. This variant is a silent/synonymous amino acid change and it is not expected to impact splicing.

Labcorp Genetics (formerly Invitae), Labcorp
Classification: Likely benign for DICER1-related tumor predisposition. Last evaluated: 2025-10-05. Review status: criteria provided, single submitter. Criteria: Invitae Variant Classification Sherloc (09022015). Collection method: clinical testing. Allele origin: germline.

Quest Diagnostics Nichols Institute San Juan Capistrano
Classification: Uncertain significance. Last evaluated: 2023-10-26. Review status: criteria provided, single submitter. Criteria: Quest Diagnostics criteria. Collection method: clinical testing. Allele origin: unknown.
Comment: The DICER1 c.1413G>A (p.Leu471Leu) variant has not been reported in individuals with DICER1-related conditions in the published literature. The frequency of this variant in the general population, 0.000029 (1/34570 chromosomes (Genome Aggregation Database)), is uninformative in the assessment of its pathogenicity. Analysis of this variant using software algorithms for the prediction of the effect of nucleotide changes on splicing yielded predictions that this variant does not affect DICER1 mRNA splicing. Based on the available information, we are unable to determine the clinical significance of this variant.

Ambry Genetics
Classification: Likely benign for Hereditary cancer-predisposing syndrome. Last evaluated: 2017-12-01. Review status: criteria provided, single submitter. Criteria: Ambry Variant Classification Scheme 2023. Collection method: clinical testing. Allele origin: germline.

NM_177438.3(DICER1):c.1413G>A (p.Leu471=)

Gene: DICER1 (dicer 1, ribonuclease III; minus strand). Cytogenetic location: 14q32.13.
Variant type: single nucleotide variant.
Coding change: c.1413G>A on transcript NM_177438.3 (MANE Select); coding-DNA position 1413, G replaced by A.
Protein change: p.Leu471=; no amino-acid change (leucine 471 retained).
Molecular consequence: synonymous variant.
Genome position (GRCh38, 1-based): chr14:95,117,718, C>T on the plus strand (G>A on the coding strand, the complement: DICER1 is on the minus strand). VCF-style: chr14-95117718-C-T. GRCh37 (hg19) VCF-style: chr14-95584055-C-T.
Other names: c.1413G>A, p.Leu471= (NM_001195573.1, NM_001271282.3, NM_001291628.2 and 1 more transcripts).
Identifiers: ClinVar variation 477038 (VCV000477038.19), dbSNP rs921899291, ClinGen allele CA265917330.